The following is an entry in ClinVar:

NM_000548.5(TSC2):c.4861A>G (p.Ile1621Val)

Gene: TSC2 (TSC complex subunit 2; plus strand). Cytogenetic location: 16p13.3.
Variant type: single nucleotide variant.
Coding change: c.4861A>G on transcript NM_000548.5 (MANE Select); coding-DNA position 4861, A replaced by G.
Protein change: p.Ile1621Val; replaces isoleucine 1621 with valine.
Molecular consequence: missense variant.
Genome position (GRCh38, 1-based): chr16:2,086,743, A>G. VCF-style: chr16-2086743-A-G. GRCh37 (hg19) VCF-style: chr16-2136744-A-G.
Other names: c.4660A>G, p.Ile1554Val (NM_001077183.3); c.4792A>G, p.Ile1598Val (NM_001114382.3); c.4552A>G, p.Ile1518Val (NM_001318827.2); c.4516A>G, p.Ile1506Val (NM_001318829.2); c.4129A>G, p.Ile1377Val (NM_001318831.2); c.4693A>G, p.Ile1565Val (NM_001318832.2); c.4663A>G, p.Ile1555Val (NM_001363528.2); c.4729A>G, p.Ile1577Val (NM_001370404.1); and 1 more; short protein forms I1518V, I1578V, I1377V, I1506V, I1555V, I1598V, I1565V, I1577V.
Identifiers: ClinVar variation 825240 (VCV000825240.19), dbSNP rs1555516628, ClinGen allele CA394308262.

ClinVar aggregate classification (germline): Conflicting classifications of pathogenicity. Review status: criteria provided, conflicting classifications (1 of 4 stars). 5 submissions from 5 submitters: Uncertain significance (4); Benign (1). Last evaluated 2025-08-20.

Conditions:
Hereditary cancer-predisposing syndrome. Also called: Neoplastic Syndromes, Hereditary; Hereditary Cancer Syndrome; Hereditary neoplastic syndrome; Tumor predisposition. Identifiers: Orphanet 140162, MedGen C0027672, MeSH D009386, MONDO:0015356.
Isolated focal cortical dysplasia type II (FCORD2). Also called: CORTICAL DYSPLASIA OF TAYLOR; Focal cortical dysplasia type II. Identifiers: Orphanet 268994, MedGen C1846385, MONDO:0011818, OMIM 607341, HP:0032051.
Tuberous sclerosis 2 (TSC2). Identifiers: Orphanet 805, MedGen C1860707, MONDO:0013199, OMIM 613254.

gnomAD v4.1: 5 of 1,610,632 alleles (0.00031%); highest among the groups gnomAD compares: Non-Finnish European, 0.00042%; no homozygotes.

Submissions (5):

Labcorp Genetics (formerly Invitae), Labcorp
Classification: Benign for Tuberous sclerosis 2. Last evaluated: 2025-08-20. Review status: criteria provided, single submitter. Criteria: Invitae Variant Classification Sherloc (09022015). Collection method: clinical testing. Allele origin: germline.

Ambry Genetics
Classification: Uncertain significance for Hereditary cancer-predisposing syndrome. Last evaluated: 2024-12-20. Review status: criteria provided, single submitter. Criteria: Ambry Variant Classification Scheme 2023. Collection method: clinical testing. Allele origin: germline.
Comment: The p.I1621V variant (also known as c.4861A>G), located in coding exon 37 of the TSC2 gene, results from an A to G substitution at nucleotide position 4861. The isoleucine at codon 1621 is replaced by valine, an amino acid with highly similar properties. This amino acid position is highly conserved in available vertebrate species. In addition, the in silico prediction for this alteration is inconclusive. Based on the available evidence, the clinical significance of this variant remains unclear.

Baylor Genetics
Classification: Uncertain significance for Isolated focal cortical dysplasia type II. Last evaluated: 2023-09-13. Review status: criteria provided, single submitter. Criteria: ACMG Guidelines, 2015. Collection method: clinical testing. Allele origin: unknown.

Genome-Nilou Lab
Classification: Uncertain significance for Tuberous sclerosis 2. Last evaluated: 2021-11-07. Review status: criteria provided, single submitter. Criteria: ACMG Guidelines, 2015. Collection method: clinical testing. Allele origin: germline. Affected: no.

GeneDx
Classification: Uncertain significance. Last evaluated: 2019-12-09. Review status: criteria provided, single submitter. Criteria: GeneDx Variant Classification Process June 2021. Collection method: clinical testing. Allele origin: germline. Affected: yes.
Comment: In silico analysis, which includes protein predictors and evolutionary conservation, supports that this variant does not alter protein structure/function; Has not been previously published as pathogenic or benign to our knowledge; No data available from control populations to assess the frequency of this variant